The following is an entry in ClinVar:

NM_001348323.3(TRIP12):c.3204dup (p.Gly1069fs)

Gene: TRIP12 (thyroid hormone receptor interactor 12; minus strand). Cytogenetic location: 2q36.3.
Variant type: Duplication.
Coding change: c.3204dup on transcript NM_001348323.3 (MANE Select); coding-DNA position 3204, one base duplicated (A; older notation c.3204dupA).
Protein change: p.Gly1069fs; shifts the reading frame from glycine 1069.
Molecular consequence: frameshift variant.
Genome position (GRCh38, 1-based): chr2:229,802,254, T duplicated on the plus strand (A on the coding strand, the reverse complement: TRIP12 is on the minus strand); the first of 2 consecutive T bases (chr2:229,802,254-229,802,255); duplicating either gives the same sequence. VCF-style (leftmost placement, unchanged base first): chr2-229802253-C-CT. GRCh37 (hg19) VCF-style: chr2-230666969-C-CT.
Other names: c.3123dup, p.Gly1042fs (NM_001284214.2, NM_001348315.2); c.3078dup, p.Gly1027fs (NM_001284215.2, NM_001348316.2, NM_001348317.1 and 1 more transcripts); c.2169dup, p.Gly724fs (NM_001284216.2); c.3204dup, p.Gly1069fs (NM_001348327.2, NM_001348319.1, NM_001348320.2 and 4 more transcripts); c.3207dup, p.Gly1070fs (NM_001348328.1, NM_001348329.2, NM_001348330.2 and 1 more transcripts); c.2997dup, p.Gly1000fs (NM_001348331.1); c.3117dup, p.Gly1040fs (NM_001348332.1); c.3126dup, p.Gly1043fs (NM_001348333.1); and 2 more; short protein forms G1000fs, G1042fs, G724fs, G1070fs, G1040fs, G1069fs, G1027fs, G1043fs.
Identifiers: ClinVar variation 446140 (VCV000446140.4), dbSNP rs1553620494, ClinGen allele CA658653765.

ClinVar aggregate classification (germline): Pathogenic. Review status: criteria provided, single submitter (1 of 4 stars). 2 submissions from 2 submitters: Pathogenic (1). 1 of the submissions does not count toward it. Last evaluated 2024-10-04.

Conditions:
Clark-Baraitser syndrome. Also called: BARAITSER SYNDROME; Mental retardation, tall stature, obesity, macrocephaly and typical facial features; Intellectual disability, autosomal dominant 49; MENTAL RETARDATION, AUTOSOMAL DOMINANT 49. Identifiers: Orphanet 600731, MedGen C2931130, MONDO:0030914, OMIM 617752.
Intellectual disability. Also called: Intellectual developmental disorder; Intellectual functioning disability; intellectual disabilities. Identifiers: MedGen C3714756, MeSH D008607, MONDO:0001071, HP:0001249.

Submissions (2):

Dubai Health Genomic Medicine Center, Dubai Health
Classification: Pathogenic for Intellectual developmental disorder. Last evaluated: 2024-10-04. Review status: criteria provided, single submitter. Criteria: ACMG Guidelines, 2015. Collection method: research. Allele origin: germline. Affected: yes.
Comment: PVS1,PS2,PM2

OMIM
Classification: Pathogenic for CLARK-BARAITSER SYNDROME. Last evaluated: 2020-04-15. Review status: no assertion criteria provided. Collection method: literature only. Allele origin: germline. Not counted in ClinVar's aggregate classification.

Literature cited by the submitters: PubMed 28660352 (cited by OMIM).